The following is an entry in ClinVar:

NM_000330.4(RS1):c.26dup (p.Leu9fs)

Gene: RS1 (retinoschisin 1; minus strand). Cytogenetic location: Xp22.13.
Variant type: Duplication.
Coding change: c.26dup on transcript NM_000330.4 (MANE Select); coding-DNA position 26, one base duplicated (T; older notation c.26dupT).
Protein change: p.Leu9fs; shifts the reading frame from leucine 9.
Molecular consequence: frameshift variant.
Genome position (GRCh38, 1-based): chrX:18,672,043, A duplicated on the plus strand (T on the coding strand, the reverse complement: RS1 is on the minus strand); the first of 5 consecutive A bases (chrX:18,672,043-18,672,047); duplicating any one gives the same sequence. VCF-style (leftmost placement, unchanged base first): chrX-18672042-C-CA. GRCh37 (hg19) VCF-style: chrX-18690162-C-CA.
Other names: short protein forms L9fs.
Identifiers: ClinVar variation 1073512 (VCV001073512.8), dbSNP rs2147209800, ClinGen allele CA2499226545.
Genomic context (GRCh38, chrX:18,672,042, plus strand): 5'-TATGCAATGAATGTCAATGGTTGAATAGCACATACCTTCATAGCCAAAGAGAAGTAATAA[C>CA]AAAAAGCCTTCTATCTTGCGTGACATCTTCCCCTCGTCCTCGGCCAAAGCTCTACCTTAC-3'

ClinVar aggregate classification (germline): Pathogenic (1 of 4 stars; one submission).

Submission:

Labcorp Genetics (formerly Invitae), Labcorp
Classification: Pathogenic. Last evaluated: 2022-03-19. Review status: criteria provided, single submitter. Criteria: Invitae Variant Classification Sherloc (09022015). Collection method: clinical testing. Allele origin: germline.
Comment: For these reasons, this variant has been classified as Pathogenic. ClinVar contains an entry for this variant (Variation ID: 1073512). This variant has not been reported in the literature in individuals affected with RS1-related conditions. This variant is not present in population databases (gnomAD no frequency). This sequence change creates a premature translational stop signal (p.Leu9Phefs*9) in the RS1 gene. It is expected to result in an absent or disrupted protein product. Loss-of-function variants in RS1 are known to be pathogenic (PMID: 9618178, 17172462).

Literature cited by the submitters: PubMed 9618178; PubMed 17172462.